The following is an entry in ClinVar:

ClinVar aggregate classification (germline): Pathogenic/Likely pathogenic. Review status: criteria provided, multiple submitters, no conflicts (2 of 4 stars). 4 submissions from 4 submitters: Pathogenic (1); Likely pathogenic (2). 1 of the submissions does not count toward it. Last evaluated 2026-09-08.

Conditions:
Fabry disease, cardiac variant. Identifiers: MedGen C1970820.
Fabry disease. Also called: Ceramide trihexosidosis; Fabry's disease; CERAMIDE TRIHEXOSIDASE DEFICIENCY; GLA DEFICIENCY; HEREDITARY DYSTOPIC LIPIDOSIS; ALPHA-GALACTOSIDASE A DEFICIENCY. Identifiers: Orphanet 324, MedGen C0002986, MONDO:0010526, OMIM 301500, HP:0001071. Disease mechanism: Fabry disease is due to inactivating mutations in the X-linked GLA gene resulting in deficiency of the enzyme Alpha Galactosidase-A., loss of function.

Submissions (4):

Genomenon, Inc
Classification: Likely pathogenic for Fabry disease. Last evaluated: 2026-09-08. Review status: criteria provided, single submitter. Criteria: Genomenon Sequence Variant Interpretation Standards - Updated. Collection method: curation. Allele origin: germline. Affected: yes.
Comment: GLA p.Gln279Glu (c.835C>G) is a missense variant that changes the amino acid at codon 279 from Glutamine to Glutamic acid. This variant has been observed in at least one proband with clinical features consistent with Fabry disease (PMID:35873439;32843101;30386727;1315715;27834756;27657681;37626912;30988410;34529243). At least one functional study has demonstrated a substantial alteration in protein function relative to the wild-type (PMID:21972175). It is absent or not present at a significant frequency in gnomAD. In silico models predict that this variant is possibly or probably damaging. In conclusion, we classify GLA p.Gln279Glu (c.835C>G) as a likely pathogenic variant.

Labcorp Genetics (formerly Invitae), Labcorp
Classification: Pathogenic for Fabry disease. Last evaluated: 2025-07-02. Review status: criteria provided, single submitter. Criteria: Invitae Variant Classification Sherloc (09022015). Collection method: clinical testing. Allele origin: germline.
Comment: This sequence change replaces glutamine, which is neutral and polar, with glutamic acid, which is acidic and polar, at codon 279 of the GLA protein (p.Gln279Glu). This variant is not present in population databases (gnomAD no frequency). This missense change has been observed in individual(s) with Fabry disease or clinical features of the condition (PMID: 1315715, 32843101, 34529243). ClinVar contains an entry for this variant (Variation ID: 10721). Invitae Evidence Modeling of protein sequence and biophysical properties (such as structural, functional, and spatial information, amino acid conservation, physicochemical variation, residue mobility, and thermodynamic stability) indicates that this missense variant is not expected to disrupt GLA protein function with a negative predictive value of 80%. Experimental studies have shown that this missense change affects GLA function (PMID: 1315715, 21598360, 21972175). This variant disrupts the p.Gln279 amino acid residue in GLA. Other variant(s) that disrupt this residue have been observed in individuals with GLA-related conditions (PMID: 11668641, 12938095), which suggests that this may be a clinically significant amino acid residue. For these reasons, this variant has been classified as Pathogenic.

Revvity Omics, Revvity
Classification: Likely pathogenic. Last evaluated: 2020-08-21. Review status: criteria provided, single submitter. Criteria: ACMG Guidelines, 2015. Collection method: clinical testing. Allele origin: germline.

OMIM
Classification: Pathogenic for FABRY DISEASE, CARDIAC VARIANT. Last evaluated: 1992-04-01. Review status: no assertion criteria provided. Collection method: literature only. Allele origin: germline. Not counted in ClinVar's aggregate classification.

Literature cited by the submitters: PubMed 35873439 (cited by Genomenon, Inc); PubMed 32843101 (cited by Genomenon, Inc and Labcorp Genetics (formerly Invitae), Labcorp); PubMed 30386727 (cited by Genomenon, Inc); PubMed 1315715 (cited by 3 submitters); PubMed 27834756 (cited by Genomenon, Inc); PubMed 27657681 (cited by Genomenon, Inc); PubMed 37626912 (cited by Genomenon, Inc); PubMed 30988410 (cited by Genomenon, Inc); PubMed 34529243 (cited by Genomenon, Inc and Labcorp Genetics (formerly Invitae), Labcorp); PubMed 21972175 (cited by Genomenon, Inc and Labcorp Genetics (formerly Invitae), Labcorp); PubMed 21598360 (cited by Labcorp Genetics (formerly Invitae), Labcorp); PubMed 11668641 (cited by Labcorp Genetics (formerly Invitae), Labcorp); PubMed 12938095 (cited by Labcorp Genetics (formerly Invitae), Labcorp).

NM_000169.3(GLA):c.835C>G (p.Gln279Glu)

Genes: GLA (galactosidase alpha; minus strand), RPL36A-HNRNPH2 (RPL36A-HNRNPH2 readthrough; plus strand). Cytogenetic location: Xq22.1.
Variant type: single nucleotide variant.
Coding change: c.835C>G on transcript NM_000169.3 (MANE Select); coding-DNA position 835, C replaced by G.
Protein change: p.Gln279Glu; replaces glutamine 279 with glutamic acid.
Molecular consequence: missense variant. On other transcripts: non-coding transcript variant (3), intron variant (2).
Genome position (GRCh38, 1-based): chrX:101,398,534, G>C on the plus strand (C>G on the coding strand, the complement: GLA is on the minus strand). VCF-style: chrX-101398534-G-C. GRCh37 (hg19) VCF-style: chrX-100653522-G-C.
Other names: c.958C>G, p.Gln320Glu (NM_001406747.1); c.835C>G, p.Gln279Glu (NM_001406748.1); c.300+3077G>C (NM_001199973.2); c.177+6712G>C (NM_001199974.2); short protein forms Q279E, Q320E.
Identifiers: ClinVar variation 10721 (VCV000010721.8), dbSNP rs28935485, ClinGen allele CA022117.